The following is an entry in ClinVar:

NM_001378454.1(ALMS1):c.8729A>G (p.His2910Arg)

Gene: ALMS1 (ALMS1 centrosome and basal body associated protein; plus strand). Cytogenetic location: 2p13.1.
Variant type: single nucleotide variant.
Coding change: c.8729A>G on transcript NM_001378454.1 (MANE Select); coding-DNA position 8729, A replaced by G.
Protein change: p.His2910Arg; replaces histidine 2910 with arginine.
Molecular consequence: missense variant.
Genome position (GRCh38, 1-based): chr2:73,490,688, A>G. VCF-style: chr2-73490688-A-G. GRCh37 (hg19) VCF-style: chr2-73717815-A-G.
Other names: c.8732A>G, p.His2911Arg (NM_015120.4); short protein forms H2910R, H2911R.
Identifiers: ClinVar variation 1254920 (VCV001254920.6), dbSNP rs781370939, ClinGen allele CA1714528.

ClinVar aggregate classification (germline): Conflicting classifications of pathogenicity. Review status: criteria provided, conflicting classifications (1 of 4 stars). 3 submissions from 3 submitters: Uncertain significance (2); Likely benign (1). Last evaluated 2025-03-11.

Conditions:
Cardiovascular phenotype. Identifiers: MedGen CN230736.
Alstrom syndrome (ALMS). Identifiers: Orphanet 64, MedGen C0268425, MONDO:0008763, OMIM 203800.

Allele frequency attached by ClinVar (database versions not stated): ExAC 0.00001; gnomAD exomes 0.00001 and 0.00002; gnomAD 0.00003; TOPMed 0.00003.
gnomAD v4.1: 23 of 1,613,994 alleles (0.0014%); highest among the groups gnomAD compares: South Asian, 0.0022%; no homozygotes.

Submissions (3):

Ambry Genetics
Classification: Likely benign for Cardiovascular phenotype. Last evaluated: 2025-03-11. Review status: criteria provided, single submitter. Criteria: Ambry Variant Classification Scheme 2023. Collection method: clinical testing. Allele origin: germline.

Fulgent Genetics
Classification: Uncertain significance for Alstrom syndrome. Last evaluated: 2022-03-17. Review status: criteria provided, single submitter. Criteria: ACMG Guidelines, 2015. Collection method: clinical testing. Allele origin: unknown.

GeneDx
Classification: Uncertain significance. Last evaluated: 2021-08-11. Review status: criteria provided, single submitter. Criteria: GeneDx Variant Classification Process June 2021. Collection method: clinical testing. Allele origin: germline. Affected: yes.
Comment: Not observed at a significant frequency in large population cohorts (Lek et al., 2016); In silico analysis supports that this missense variant does not alter protein structure/function; Has not been previously published as pathogenic or benign to our knowledge